The following is an entry in ClinVar:

ClinVar aggregate classification (germline): Benign. Review status: criteria provided, multiple submitters, no conflicts (2 of 4 stars). 3 submissions from 3 submitters: Benign (2). 1 of the submissions does not count toward it. Last evaluated 2018-08-20.

Conditions:
PDZD2-related disorder. Also called: PDZD2-related condition.

Allele frequency attached by ClinVar (database versions not stated): gnomAD exomes 0.00128 and 0.00366; ExAC 0.00433; 1000 Genomes Project 0.01418; gnomAD 0.01420 and 0.01530; 1000 Genomes Project 30x 0.01483; TOPMed 0.01569; ESP Exome Variant Server 0.01661.
gnomAD v4.1: 4,070 of 1,603,838 alleles (0.25%); highest among the groups gnomAD compares: African/African-American, 4.9%; 110 homozygotes.

Submissions (3):

Labcorp Genetics (formerly Invitae), Labcorp
Classification: Benign. Last evaluated: 2018-08-20. Review status: criteria provided, single submitter. Criteria: Invitae Variant Classification Sherloc (09022015). Collection method: clinical testing. Allele origin: germline.

Breakthrough Genomics
Classification: Benign. Review status: criteria provided, single submitter. Criteria: ACMG Guidelines, 2015. Collection method: not provided. Allele origin: germline. Inheritance: Unknown mechanism. Affected: yes.

PreventionGenetics, part of Exact Sciences
Classification: Benign for PDZD2-related condition. Last evaluated: 2019-03-25. Review status: no assertion criteria provided. Collection method: clinical testing. Allele origin: germline. Not counted in ClinVar's aggregate classification.
Comment: This variant is classified as benign based on ACMG/AMP sequence variant interpretation guidelines (Richards et al. 2015 PMID: 25741868, with internal and published modifications).

NM_178140.4(PDZD2):c.6546A>G (p.Glu2182=)

Gene: PDZD2 (PDZ domain containing 2; plus strand). Cytogenetic location: 5p13.3.
Variant type: single nucleotide variant.
Coding change: c.6546A>G on transcript NM_178140.4 (MANE Select); coding-DNA position 6546, A replaced by G.
Protein change: p.Glu2182=; no amino-acid change (glutamic acid 2182 retained).
Molecular consequence: synonymous variant.
Genome position (GRCh38, 1-based): chr5:32,089,994, A>G. VCF-style: chr5-32089994-A-G. GRCh37 (hg19) VCF-style: chr5-32090100-A-G.
Identifiers: ClinVar variation 791133 (VCV000791133.6), dbSNP rs283121, ClinGen allele CA3220147.